The following is an entry in ClinVar:

NM_000038.6(APC):c.4087A>C (p.Lys1363Gln)

Gene: APC (APC regulator of Wnt signaling pathway; plus strand). Cytogenetic location: 5q22.2.
Variant type: single nucleotide variant.
Coding change: c.4087A>C on transcript NM_000038.6 (MANE Select); coding-DNA position 4087, A replaced by C.
Protein change: p.Lys1363Gln; replaces lysine 1363 with glutamine.
Molecular consequence: missense variant. On other transcripts: non-coding transcript variant (2).
Genome position (GRCh38, 1-based): chr5:112,839,681, A>C. VCF-style: chr5-112839681-A-C. GRCh37 (hg19) VCF-style: chr5-112175378-A-C.
Other names: c.4087A>C, p.Lys1363Gln (NM_001127510.3, NM_001354895.2, NM_001407450.1); c.4033A>C, p.Lys1345Gln (NM_001127511.3); c.4141A>C, p.Lys1381Gln (NM_001354896.2, NM_001407447.1, NM_001407448.1 and 1 more transcripts); c.4117A>C, p.Lys1373Gln (NM_001354897.2); c.4012A>C, p.Lys1338Gln (NM_001354898.2); c.4003A>C, p.Lys1335Gln (NM_001354899.2); c.3964A>C, p.Lys1322Gln (NM_001354900.2); c.3910A>C, p.Lys1304Gln (NM_001354901.2, NM_001407453.1); and 11 more; short protein forms K1080Q, K1203Q, K1234Q, K1237Q, K1262Q, K1272Q, K1280Q, K1304Q.
Identifiers: ClinVar variation 4801479 (VCV004801479.1).

ClinVar aggregate classification (germline): Uncertain significance (1 of 4 stars; one submission).

Conditions:
Familial adenomatous polyposis 1 (FAP1). Also called: FAMILIAL ADENOMATOUS POLYPOSIS 1, ATTENUATED; POLYPOSIS, ADENOMATOUS INTESTINAL. Identifiers: MedGen C2713442, MONDO:0021056, OMIM 175100. Disease mechanism: loss of function.

Submission:

Labcorp Genetics (formerly Invitae), Labcorp
Classification: Uncertain significance for Familial adenomatous polyposis 1. Last evaluated: 2025-02-17. Review status: criteria provided, single submitter. Criteria: Invitae Variant Classification Sherloc (09022015). Collection method: clinical testing. Allele origin: germline.
Comment: This sequence change replaces lysine, which is basic and polar, with glutamine, which is neutral and polar, at codon 1363 of the APC protein (p.Lys1363Gln). This variant is not present in population databases (gnomAD no frequency). This variant has not been reported in the literature in individuals affected with APC-related conditions. Invitae Evidence Modeling of protein sequence and biophysical properties (such as structural, functional, and spatial information, amino acid conservation, physicochemical variation, residue mobility, and thermodynamic stability) indicates that this missense variant is not expected to disrupt APC protein function with a negative predictive value of 95%. In summary, the available evidence is currently insufficient to determine the role of this variant in disease. Therefore, it has been classified as a Variant of Uncertain Significance.